The following is an entry in ClinVar:

NM_006904.7(PRKDC):c.9780G>T (p.Lys3260Asn)

Gene: PRKDC (protein kinase, DNA-activated, catalytic subunit; minus strand). Cytogenetic location: 8q11.21.
Variant type: single nucleotide variant.
Coding change: c.9780G>T on transcript NM_006904.7 (MANE Select); coding-DNA position 9780, G replaced by T.
Protein change: p.Lys3260Asn; replaces lysine 3260 with asparagine.
Molecular consequence: missense variant.
Genome position (GRCh38, 1-based): chr8:47,803,448, C>A on the plus strand (G>T on the coding strand, the complement: PRKDC is on the minus strand). VCF-style: chr8-47803448-C-A. GRCh37 (hg19) VCF-style: chr8-48716009-C-A.
Other names: c.9780G>T, p.Lys3260Asn (NM_001081640.2); short protein forms K3260N.
Identifiers: ClinVar variation 3310080 (VCV003310080.1).

ClinVar aggregate classification (germline): Uncertain significance (1 of 4 stars; one submission).

Submission:

Ambry Genetics
Classification: Uncertain significance. Last evaluated: 2024-03-16. Review status: criteria provided, single submitter. Criteria: Ambry Variant Classification Scheme 2023. Collection method: clinical testing. Allele origin: germline.
Comment: The p.K3260N variant (also known as c.9780G>T), located in coding exon 70 of the PRKDC gene, results from a G to T substitution at nucleotide position 9780. The lysine at codon 3260 is replaced by asparagine, an amino acid with similar properties. This amino acid position is conserved. In addition, this alteration is predicted to be deleterious by in silico analysis. Based on the available evidence, the clinical significance of this alteration remains unclear.